The following is an entry in ClinVar:

NM_000540.3(RYR1):c.1576+4G>A

Gene: RYR1 (ryanodine receptor 1; plus strand). Cytogenetic location: 19q13.2.
Variant type: single nucleotide variant.
Coding change: c.1576+4G>A on transcript NM_000540.3 (MANE Select); 4 bases into the intron after coding-DNA position 1576, G replaced by A.
Molecular consequence: intron variant.
Genome position (GRCh38, 1-based): chr19:38,455,374, G>A. VCF-style: chr19-38455374-G-A. GRCh37 (hg19) VCF-style: chr19-38946014-G-A.
Other names: c.1576+4G>A (NM_001042723.2).
Identifiers: ClinVar variation 478205 (VCV000478205.6), dbSNP rs374299527, ClinGen allele CA062119.

ClinVar aggregate classification (germline): Uncertain significance. Review status: criteria provided, multiple submitters, no conflicts (2 of 4 stars). 2 submissions from 2 submitters: Uncertain significance (2). Last evaluated 2024-07-20.

Conditions:
RYR1-related disorder. Also called: RYR1-related condition; RYR1-related disorders. Identifiers: MedGen CN239331.
Malignant hyperthermia, susceptibility to, 1 (MHS1). Also called: Anesthesia related hyperthermia; Malignant hyperpyrexia; Fulminating hyperpyrexia; Pharmacogenic myopathy; Malignant hyperthermia suceptibility 1; RYR1-Related Malignant Hyperthermia Susceptibility. Identifiers: Orphanet 423, MedGen C2930980, MONDO:0007783, OMIM 145600.

Allele frequency attached by ClinVar (database versions not stated): gnomAD exomes below 0.00001; ExAC 0.00001; gnomAD 0.00004 and 0.00006; TOPMed 0.00006; ESP Exome Variant Server 0.00008.
gnomAD v4.1: 9 of 1,613,942 alleles (0.00056%); highest among the groups gnomAD compares: African/African-American, 0.008%; no homozygotes.

Submissions (2):

All of Us Research Program, National Institutes of Health
Classification: Uncertain significance for Malignant hyperthermia, susceptibility to, 1. Last evaluated: 2024-07-20. Review status: criteria provided, single submitter. Criteria: ACMG Guidelines, 2015. Collection method: clinical testing. Allele origin: germline. Inheritance: Autosomal dominant inheritance. Observed: 5 variant alleles, 5 heterozygotes.
Comment: This variant causes a G to A nucleotide substitution at the +4 position of intron 14 of the RYR1 gene. To our knowledge, RNA studies have not been reported for this variant. This variant has not been reported in individuals affected with RYR1-related disorders in the literature. This variant has been identified in 3/282830 chromosomes in the general population by the Genome Aggregation Database (gnomAD). The available evidence is insufficient to determine the role of this variant in disease conclusively. Therefore, this variant is classified as a Variant of Uncertain Significance.

This study involves interpretation of variants in research participants for the purpose of population health screening. Participant phenotype was not available at the time of variant classification. Additional details can be found in publication PMID: 35346344, PMCID: PMC8962531

Labcorp Genetics (formerly Invitae), Labcorp
Classification: Uncertain significance for RYR1-related disorder. Last evaluated: 2024-04-01. Review status: criteria provided, single submitter. Criteria: Invitae Variant Classification Sherloc (09022015). Collection method: clinical testing. Allele origin: germline.
Comment: This sequence change falls in intron 14 of the RYR1 gene. It does not directly change the encoded amino acid sequence of the RYR1 protein. It affects a nucleotide within the consensus splice site. This variant is present in population databases (rs374299527, gnomAD 0.01%). This variant has not been reported in the literature in individuals affected with RYR1-related conditions. ClinVar contains an entry for this variant (Variation ID: 478205). Variants that disrupt the consensus splice site are a relatively common cause of aberrant splicing (PMID: 17576681, 9536098). Algorithms developed to predict the effect of sequence changes on RNA splicing suggest that this variant is not likely to affect RNA splicing. In summary, the available evidence is currently insufficient to determine the role of this variant in disease. Therefore, it has been classified as a Variant of Uncertain Significance.

Literature cited by the submitters: PubMed 17576681 (cited by Labcorp Genetics (formerly Invitae), Labcorp); PubMed 9536098 (cited by Labcorp Genetics (formerly Invitae), Labcorp).